The following is an entry in ClinVar:

NM_000377.3(WAS):c.54T>G (p.Val18=)

Gene: WAS (WASP actin nucleation promoting factor; plus strand). Cytogenetic location: Xp11.23.
Variant type: single nucleotide variant.
Coding change: c.54T>G on transcript NM_000377.3 (MANE Select); coding-DNA position 54, T replaced by G.
Protein change: p.Val18=; no amino-acid change (valine 18 retained).
Molecular consequence: synonymous variant.
Genome position (GRCh38, 1-based): chrX:48,683,907, T>G. VCF-style: chrX-48683907-T-G. GRCh37 (hg19) VCF-style: chrX-48542296-T-G.
Identifiers: ClinVar variation 2660463 (VCV002660463.24), dbSNP rs2519277496, ClinGen allele CA516021877.

ClinVar aggregate classification (germline): Likely benign (1 of 4 stars; one submission).

Submission:

CeGaT Center for Human Genetics Tuebingen
Classification: Likely benign. Last evaluated: 2024-10-01. Review status: criteria provided, single submitter. Criteria: CeGaT Center For Human Genetics Tuebingen Variant Classification Criteria Version 2. Collection method: clinical testing. Allele origin: germline. Affected: yes. Observed: 2 variant alleles.
Comment: WAS: BP4, BP7